The following is an entry in ClinVar:

NC_000022.10:g.(?_29095816)_(29099564_?)del

Gene: CHEK2 (checkpoint kinase 2; minus strand). Cytogenetic location: 22q12.1.
Variant type: Deletion.
Identifiers: ClinVar variation 1068369 (VCV001068369.9).

ClinVar aggregate classification (germline): Likely pathogenic (1 of 4 stars; one submission).

Conditions:
Familial cancer of breast. Also called: hereditary breast carcinoma; BREAST CANCER, FAMILIAL; Hereditary breast cancer. Identifiers: Orphanet 227535, MedGen C0346153, MONDO:0016419, OMIM 114480. Disease mechanism: loss of function.

Submission:

Labcorp Genetics (formerly Invitae), Labcorp
Classification: Likely pathogenic for Familial cancer of breast. Last evaluated: 2022-08-17. Review status: criteria provided, single submitter. Criteria: Invitae Variant Classification Sherloc (09022015). Collection method: clinical testing. Allele origin: germline.
Comment: In summary, the currently available evidence indicates that the variant is pathogenic, but additional data are needed to prove that conclusively. Therefore, this variant has been classified as Likely Pathogenic. This variant disrupts the serine/threonine kinase domain of the CHEK2 protein, which is essential for protein function (PMID: 30264118, 31843900, 29785007). While functional studies have not been performed to directly test the effect of this variant on CHEK2 protein function, this suggests that disruption of this region of the protein is causative of disease. This variant has not been reported in the literature in individuals affected with CHEK2-related conditions. This variant is a gross deletion of the genomic region encompassing exon(s) 8-9 of the CHEK2 gene. This variant would be expected to be in-frame, preserving the integrity of the reading frame.

Literature cited by the submitters: PubMed 30264118; PubMed 31843900; PubMed 29785007.